The following is an entry in ClinVar:

NM_001005388.3(NFASC):c.726A>G (p.Arg242=)

Gene: NFASC (neurofascin; plus strand). Cytogenetic location: 1q32.1.
Variant type: single nucleotide variant.
Coding change: c.726A>G on transcript NM_001005388.3 (MANE Select); coding-DNA position 726, A replaced by G.
Protein change: p.Arg242=; no amino-acid change (arginine 242 retained).
Molecular consequence: synonymous variant. On other transcripts: non-coding transcript variant (1).
Genome position (GRCh38, 1-based): chr1:204,968,268, A>G. VCF-style: chr1-204968268-A-G. GRCh37 (hg19) VCF-style: chr1-204937396-A-G.
Other names: c.726A>G, p.Arg242= (NM_001005389.2, NM_001378329.1); c.759A>G, p.Arg253= (NM_001160331.2, NM_001160332.2, NM_001365986.1 and 3 more transcripts); c.708A>G, p.Arg236= (NM_001160333.2); c.726A>G (NM_001005388.2).
Identifiers: ClinVar variation 3025514 (VCV003025514.24), dbSNP rs199749786, ClinGen allele CA1349710.

ClinVar aggregate classification (germline): Likely benign. Review status: criteria provided, multiple submitters, no conflicts (2 of 4 stars). 3 submissions from 3 submitters: Likely benign (2). 1 of the submissions does not count toward it. Last evaluated 2024-09-02.

Conditions:
NFASC-related disorder. Also called: NFASC-related condition.

Allele frequency attached by ClinVar (database versions not stated): TOPMed 0.00008; gnomAD 0.00011; gnomAD exomes 0.00013; ExAC 0.00021; 1000 Genomes Project 30x 0.00031; 1000 Genomes Project 0.00040.
gnomAD v4.1: 212 of 1,614,118 alleles (0.013%); highest among the groups gnomAD compares: South Asian, 0.083%; 1 homozygote.

Submissions (3):

Blueprint Genetics
Classification: Likely benign. Last evaluated: 2024-09-02. Review status: criteria provided, single submitter. Criteria: ACMG Guidelines, 2015. Collection method: clinical testing. Allele origin: germline.

CeGaT Center for Human Genetics Tuebingen
Classification: Likely benign. Last evaluated: 2024-02-01. Review status: criteria provided, single submitter. Criteria: CeGaT Center For Human Genetics Tuebingen Variant Classification Criteria Version 2. Collection method: clinical testing. Allele origin: germline. Affected: yes. Observed: 2 variant alleles.
Comment: NFASC: BP4, BP7

PreventionGenetics, part of Exact Sciences
Classification: Likely benign for NFASC-related condition. Last evaluated: 2019-09-18. Review status: no assertion criteria provided. Collection method: clinical testing. Allele origin: germline. Not counted in ClinVar's aggregate classification.
Comment: This variant is classified as likely benign based on ACMG/AMP sequence variant interpretation guidelines (Richards et al. 2015 PMID: 25741868, with internal and published modifications).